The following is an entry in ClinVar:

NM_001375834.1(WIPF1):c.983A>G (p.Asn328Ser)

Gene: WIPF1 (WAS/WASL interacting protein family member 1; minus strand). Cytogenetic location: 2q31.1.
Variant type: single nucleotide variant.
Coding change: c.983A>G on transcript NM_001375834.1 (MANE Select); coding-DNA position 983, A replaced by G.
Protein change: p.Asn328Ser; replaces asparagine 328 with serine.
Molecular consequence: missense variant.
Genome position (GRCh38, 1-based): chr2:174,571,822, T>C on the plus strand (A>G on the coding strand, the complement: WIPF1 is on the minus strand). VCF-style: chr2-174571822-T-C. GRCh37 (hg19) VCF-style: chr2-175436550-T-C.
Other names: c.983A>G, p.Asn328Ser (NM_001077269.1, NM_001375832.1, NM_001375833.1 and 5 more transcripts); c.605A>G, p.Asn202Ser (NM_001375839.1); short protein forms N328S, N202S.
Identifiers: ClinVar variation 2149325 (VCV002149325.2), dbSNP rs770409036, ClinGen allele CA1974018.

ClinVar aggregate classification (germline): Uncertain significance. Review status: criteria provided, multiple submitters, no conflicts (2 of 4 stars). 2 submissions from 2 submitters: Uncertain significance (2). Last evaluated 2024-05-21.

Conditions:
Wiskott-Aldrich syndrome 2 (WAS2). Also called: WIPF1 DEFICIENCY. Identifiers: Orphanet 906, MedGen C3281001, MONDO:0013779, OMIM 614493.
Inborn genetic diseases. Identifiers: MedGen C0950123, MeSH D030342.

Allele frequency attached by ClinVar (database versions not stated): ExAC 0.00005.
gnomAD v4.1: 38 of 1,614,076 alleles (0.0024%); highest among the groups gnomAD compares: South Asian, 0.0033%; no homozygotes.

Submissions (2):

Ambry Genetics
Classification: Uncertain significance for Inborn genetic diseases. Last evaluated: 2024-05-21. Review status: criteria provided, single submitter. Criteria: Ambry Variant Classification Scheme 2023. Collection method: clinical testing. Allele origin: germline.

Labcorp Genetics (formerly Invitae), Labcorp
Classification: Uncertain significance for Wiskott-Aldrich syndrome 2. Last evaluated: 2022-06-10. Review status: criteria provided, single submitter. Criteria: Invitae Variant Classification Sherloc (09022015). Collection method: clinical testing. Allele origin: germline.
Comment: This sequence change replaces asparagine, which is neutral and polar, with serine, which is neutral and polar, at codon 328 of the WIPF1 protein (p.Asn328Ser). This variant is present in population databases (rs770409036, gnomAD 0.005%). This variant has not been reported in the literature in individuals affected with WIPF1-related conditions. Algorithms developed to predict the effect of missense changes on protein structure and function output the following: SIFT: "Not Available"; PolyPhen-2: "Benign"; Align-GVGD: "Not Available". The serine amino acid residue is found in multiple mammalian species, which suggests that this missense change does not adversely affect protein function. In summary, the available evidence is currently insufficient to determine the role of this variant in disease. Therefore, it has been classified as a Variant of Uncertain Significance.